The following is an entry in ClinVar:

NM_001458.5(FLNC):c.6618G>T (p.Arg2206=)

Genes: FLNC (filamin C; plus strand), FLNC-AS1 (FLNC antisense RNA 1; minus strand). Cytogenetic location: 7q32.1.
Variant type: single nucleotide variant.
Coding change: c.6618G>T on transcript NM_001458.5 (MANE Select); coding-DNA position 6618, G replaced by T.
Protein change: p.Arg2206=; no amino-acid change (arginine 2206 retained).
Molecular consequence: synonymous variant.
Genome position (GRCh38, 1-based): chr7:128,854,107, G>T. VCF-style: chr7-128854107-G-T. GRCh37 (hg19) VCF-style: chr7-128494161-G-T.
Other names: c.6519G>T, p.Arg2173= (NM_001127487.2).
Identifiers: ClinVar variation 3756825 (VCV003756825.2).

ClinVar aggregate classification (germline): Uncertain significance (1 of 4 stars; one submission).

Conditions:
Distal myopathy with posterior leg and anterior hand involvement. Also called: WILLIAMS DISTAL MYOPATHY. Identifiers: Orphanet 63273, MedGen C3279722, MONDO:0013550, OMIM 614065.
Hypertrophic cardiomyopathy 26. Also called: Cardiomyopathy, familial hypertrophic, 26. Identifiers: Orphanet 75249, MedGen C4310749, MONDO:0014883, OMIM 617047.
Myofibrillar myopathy 5. Also called: Filaminopathy (type); FILAMINOPATHY, AUTOSOMAL DOMINANT. Identifiers: Orphanet 171445, MedGen C1836050, MONDO:0012289, OMIM 609524.

Submission:

Labcorp Genetics (formerly Invitae), Labcorp
Classification: Uncertain significance for Distal myopathy with posterior leg and anterior hand involvement; Myofibrillar myopathy 5; Hypertrophic cardiomyopathy 26. Last evaluated: 2024-07-08. Review status: criteria provided, single submitter. Criteria: Invitae Variant Classification Sherloc (09022015). Collection method: clinical testing. Allele origin: germline.
Comment: This sequence change affects codon 2206 of the FLNC mRNA. It is a 'silent' change, meaning that it does not change the encoded amino acid sequence of the FLNC protein. This variant is not present in population databases (gnomAD no frequency). This variant has not been reported in the literature in individuals affected with FLNC-related conditions. Algorithms developed to predict the effect of sequence changes on RNA splicing suggest that this variant may create or strengthen a splice site. In summary, the available evidence is currently insufficient to determine the role of this variant in disease. Therefore, it has been classified as a Variant of Uncertain Significance.